The following is an entry in ClinVar:

ClinVar aggregate classification (germline): Uncertain significance (1 of 4 stars; one submission).

Submission:

Labcorp Genetics (formerly Invitae), Labcorp
Classification: Uncertain significance. Last evaluated: 2021-12-02. Review status: criteria provided, single submitter. Criteria: Invitae Variant Classification Sherloc (09022015). Collection method: clinical testing. Allele origin: germline.
Comment: This sequence change replaces arginine, which is basic and polar, with lysine, which is basic and polar, at codon 1272 of the ABCA1 protein (p.Arg1272Lys). This variant is not present in population databases (gnomAD no frequency). This variant has not been reported in the literature in individuals affected with ABCA1-related conditions. Advanced modeling of protein sequence and biophysical properties (such as structural, functional, and spatial information, amino acid conservation, physicochemical variation, residue mobility, and thermodynamic stability) performed at Invitae indicates that this missense variant is not expected to disrupt ABCA1 protein function. In summary, the available evidence is currently insufficient to determine the role of this variant in disease. Therefore, it has been classified as a Variant of Uncertain Significance.

NM_005502.4(ABCA1):c.3815G>A (p.Arg1272Lys)

Gene: ABCA1 (ATP binding cassette subfamily A member 1; minus strand). Cytogenetic location: 9q31.1.
Variant type: single nucleotide variant.
Coding change: c.3815G>A on transcript NM_005502.4 (MANE Select); coding-DNA position 3815, G replaced by A.
Protein change: p.Arg1272Lys; replaces arginine 1272 with lysine.
Molecular consequence: missense variant.
Genome position (GRCh38, 1-based): chr9:104,814,204, C>T on the plus strand (G>A on the coding strand, the complement: ABCA1 is on the minus strand). VCF-style: chr9-104814204-C-T. GRCh37 (hg19) VCF-style: chr9-107576485-C-T.
Other names: short protein forms R1272K.
Identifiers: ClinVar variation 1375929 (VCV001375929.6), dbSNP rs2118943294, ClinGen allele CA374317717.